The following is an entry in ClinVar:

NM_001127217.3(SMAD9):c.1282C>T (p.Arg428Cys)

Gene: SMAD9 (SMAD family member 9; minus strand). Cytogenetic location: 13q13.3.
Variant type: single nucleotide variant.
Coding change: c.1282C>T on transcript NM_001127217.3 (MANE Select); coding-DNA position 1282, C replaced by T.
Protein change: p.Arg428Cys; replaces arginine 428 with cysteine.
Molecular consequence: missense variant.
Genome position (GRCh38, 1-based): chr13:36,848,798, G>A on the plus strand (C>T on the coding strand, the complement: SMAD9 is on the minus strand). VCF-style: chr13-36848798-G-A. GRCh37 (hg19) VCF-style: chr13-37422935-G-A.
Other names: c.1171C>T, p.Arg391Cys (NM_001378621.1, NM_005905.6); short protein forms R391C, R428C.
Identifiers: ClinVar variation 2633811 (VCV002633811.1), dbSNP rs1286688113, ClinGen allele CA387864877.
Genomic context (GRCh38, chr13:36,848,798, plus strand): 5'-ACTGCAGTGGCCCATGAAGATGAATCTCAATCCAGCAGGGGGTGCTGGTGACATCCTGGC[G>A]ATGATACTCAGCACCCCAACCCTGAAAAACAAGAAAGGAGCTGAGTGATGGTGCCACACT-3'
Protein context (NP_001120689.1, residues 418-438): FVKGWGAEYH[Arg428Cys]QDVTSTPCWI

ClinVar aggregate classification (germline): Uncertain significance (1 of 4 stars; one submission).

Conditions:
SMAD9-related disorder. Also called: SMAD9-related condition.

Allele frequency attached by ClinVar (database versions not stated): gnomAD 0.00001; gnomAD exomes 0.00001.
gnomAD v4.1: 15 of 1,613,912 alleles (0.00093%); highest among the groups gnomAD compares: Non-Finnish European, 0.0011%; no homozygotes.

Submission:

PreventionGenetics, part of Exact Sciences
Classification: Uncertain significance for SMAD9-related condition. Last evaluated: 2023-04-06. Review status: criteria provided, single submitter. Criteria: ACMG Guidelines, 2015. Collection method: clinical testing. Allele origin: germline.
Comment: The SMAD9 c.1282C>T variant is predicted to result in the amino acid substitution p.Arg428Cys. To our knowledge, this variant has not been reported in the literature. This variant is reported in 0.00078% of alleles in individuals of European (Non-Finnish) descent in gnomAD. At this time, the clinical significance of this variant is uncertain due to the absence of conclusive functional and genetic evidence.